The following is an entry in ClinVar:

ClinVar aggregate classification (germline): Uncertain significance (1 of 4 stars; one submission).

gnomAD v4.1: 11 of 1,614,094 alleles (0.00068%); highest among the groups gnomAD compares: East Asian, 0.011%; no homozygotes.

Submission:

Labcorp Genetics (formerly Invitae), Labcorp
Classification: Uncertain significance. Last evaluated: 2022-05-31. Review status: criteria provided, single submitter. Criteria: Invitae Variant Classification Sherloc (09022015). Collection method: clinical testing. Allele origin: germline.
Comment: This sequence change replaces alanine, which is neutral and non-polar, with threonine, which is neutral and polar, at codon 498 of the LPIN1 protein (p.Ala498Thr). In summary, the available evidence is currently insufficient to determine the role of this variant in disease. Therefore, it has been classified as a Variant of Uncertain Significance. Algorithms developed to predict the effect of missense changes on protein structure and function are either unavailable or do not agree on the potential impact of this missense change (SIFT: "Deleterious"; PolyPhen-2: "Benign"; Align-GVGD: "Class C0"). This variant has not been reported in the literature in individuals affected with LPIN1-related conditions. This variant is present in population databases (no rsID available, gnomAD 0.006%).

NM_001349206.2(LPIN1):c.1600G>A (p.Ala534Thr)

Gene: LPIN1 (lipin 1; plus strand). Cytogenetic location: 2p25.1.
Variant type: single nucleotide variant.
Coding change: c.1600G>A on transcript NM_001349206.2 (MANE Select); coding-DNA position 1600, G replaced by A.
Protein change: p.Ala534Thr; replaces alanine 534 with threonine.
Molecular consequence: missense variant. On other transcripts: non-coding transcript variant (1).
Genome position (GRCh38, 1-based): chr2:11,787,124, G>A. VCF-style: chr2-11787124-G-A. GRCh37 (hg19) VCF-style: chr2-11927250-G-A.
Other names: c.1510G>A, p.Ala504Thr (NM_001261427.3); c.1747G>A, p.Ala583Thr (NM_001261428.3); c.1492G>A, p.Ala498Thr (NM_001349199.2, NM_001349200.2, NM_001349201.2 and 1 more transcripts); c.1597G>A, p.Ala533Thr (NM_001349202.2, NM_001349203.2); c.1600G>A, p.Ala534Thr (NM_001349204.2, NM_001349205.2); c.1690G>A, p.Ala564Thr (NM_001349207.2); c.1639G>A, p.Ala547Thr (NM_001349208.2); short protein forms A504T, A564T, A498T, A547T, A533T, A534T, A583T.
Identifiers: ClinVar variation 2001410 (VCV002001410.2), dbSNP rs746711531, ClinGen allele CA345857848.
Genomic context (GRCh38, chr2:11,787,124, plus strand): 5'-GCTGTCACAGATGCATTCCTGGAGCAAGCTGTGTCATATCAACAGTTTGTGGACAACCCC[G>A]CTATTATCGATGACCCCAATCTCGTGGTAAAGATTGGGAGTAAGTAAGTACCTCTTGAAA-3'
Protein context (NP_001336135.1, residues 524-544): VSYQQFVDNP[Ala534Thr]IIDDPNLVVK